The following is an entry in ClinVar:

ClinVar aggregate classification (germline): Uncertain significance (1 of 4 stars; one submission).

gnomAD v4.1: 5 of 1,614,128 alleles (0.00031%); highest among the groups gnomAD compares: Non-Finnish European, 0.00042%; no homozygotes.

Submission:

CeGaT Center for Human Genetics Tuebingen
Classification: Uncertain significance. Last evaluated: 2026-06-01. Review status: criteria provided, single submitter. Criteria: CeGaT Center For Human Genetics Tuebingen Variant Classification Criteria Version 2. Collection method: clinical testing. Allele origin: germline. Affected: yes. Observed: 3 variant alleles.
Comment: FAH: PM2, PM3:Supporting, PP4

NM_000137.4(FAH):c.527C>G (p.Pro176Arg)

Gene: FAH (fumarylacetoacetate hydrolase; plus strand). Cytogenetic location: 15q25.1.
Variant type: single nucleotide variant.
Coding change: c.527C>G on transcript NM_000137.4 (MANE Select); coding-DNA position 527, C replaced by G.
Protein change: p.Pro176Arg; replaces proline 176 with arginine.
Molecular consequence: missense variant.
Genome position (GRCh38, 1-based): chr15:80,168,123, C>G. VCF-style: chr15-80168123-C-G. GRCh37 (hg19) VCF-style: chr15-80460465-C-G.
Other names: c.527C>G, p.Pro176Arg (NM_001374377.1, NM_001374380.1); short protein forms P176R.
Identifiers: ClinVar variation 4682089 (VCV004682089.5).